The following is an entry in ClinVar:

NM_007294.4(BRCA1):c.2625A>T (p.Pro875=)

Gene: BRCA1 (BRCA1 DNA repair associated; minus strand). Cytogenetic location: 17q21.31.
Variant type: single nucleotide variant.
Coding change: c.2625A>T on transcript NM_007294.4 (MANE Select); coding-DNA position 2625, A replaced by T.
Protein change: p.Pro875=; no amino-acid change (proline 875 retained).
Molecular consequence: synonymous variant. On other transcripts: intron variant (137).
Genome position (GRCh38, 1-based): chr17:43,092,906, T>A on the plus strand (A>T on the coding strand, the complement: BRCA1 is on the minus strand). VCF-style: chr17-43092906-T-A. GRCh37 (hg19) VCF-style: chr17-41244923-T-A.
Other names: c.2412A>T, p.Pro804= (NM_001407571.1, NM_001407895.1, NM_001407896.1 and 9 more transcripts); c.2625A>T, p.Pro875= (NM_001407581.1, NM_001407582.1, NM_001407583.1 and 30 more transcripts); c.2622A>T, p.Pro874= (NM_001407587.1, NM_001407590.1, NM_001407591.1 and 22 more transcripts); c.2616A>T, p.Pro872= (NM_001407646.1, NM_001407647.1); c.2502A>T, p.Pro834= (NM_001407648.1, NM_001407664.1, NM_001407665.1 and 19 more transcripts); c.2499A>T, p.Pro833= (NM_001407649.1, NM_001407670.1, NM_001407671.1 and 11 more transcripts); c.2547A>T, p.Pro849= (NM_001407653.1, NM_001407654.1, NM_001407655.1 and 4 more transcripts); c.2544A>T, p.Pro848= (NM_001407659.1, NM_001407660.1, NM_001407661.1 and 1 more transcripts); and 41 more.
Identifiers: ClinVar variation 229791 (VCV000229791.19), dbSNP rs754222140, ClinGen allele CA10580609.

ClinVar aggregate classification (germline): Likely benign. Review status: reviewed by expert panel (3 of 4 stars). 3 submissions from 3 submitters: Likely benign (1). 2 of the submissions do not count toward it. Last evaluated 2017-06-29.

Conditions:
Hereditary breast ovarian cancer syndrome. Also called: Breast and ovarian cancer; Hereditary breast and ovarian cancer; Hereditary breast and ovarian cancer syndrome; Hereditary breast and/or ovarian cancer syndrome; BRCA1- and BRCA2-Associated Hereditary Breast and Ovarian Cancer; Hereditary breast and ovarian cancer syndrome (HBOC). Identifiers: Orphanet 145, MedGen C0677776, MeSH D061325, MONDO:0003582. Disease mechanism: loss of function.
Breast-ovarian cancer, familial, susceptibility to, 1 (BROVCA1). Also called: BRCA1 Hereditary Breast and Ovarian Cancer; OVARIAN CANCER, SUSCEPTIBILITY TO. Identifiers: Orphanet 145, MedGen C2676676, MONDO:0011450, OMIM 604370. Disease mechanism: loss of function.
Hereditary cancer-predisposing syndrome. Also called: Tumor predisposition; Hereditary Cancer Syndrome; Neoplastic Syndromes, Hereditary; Hereditary neoplastic syndrome. Identifiers: Orphanet 140162, MedGen C0027672, MeSH D009386, MONDO:0015356.

Submissions (3):

Evidence-based Network for the Interpretation of Germline Mutant Alleles (ENIGMA)
Classification: Likely benign for Breast-ovarian cancer, familial, susceptibility to, 1. Last evaluated: 2017-06-29. Review status: reviewed by expert panel. Criteria: ENIGMA BRCA1/2 Classification Criteria (2017-06-29). Collection method: curation. Allele origin: germline.
Comment: Synonymous substitution variant, with low bioinformatic likelihood to result in a splicing aberration (Splicing prior probability 0.02).

Labcorp Genetics (formerly Invitae), Labcorp
Classification: Likely benign for Hereditary breast ovarian cancer syndrome. Last evaluated: 2016-01-18. Review status: criteria provided, single submitter. Criteria: Invitae Variant Classification Sherloc (09022015). Collection method: clinical testing. Allele origin: germline. Not counted in ClinVar's aggregate classification.

Ambry Genetics
Classification: Likely benign for Hereditary cancer-predisposing syndrome. Last evaluated: 2015-01-20. Review status: criteria provided, single submitter. Criteria: Ambry Variant Classification Scheme 2023. Collection method: clinical testing. Allele origin: germline. Not counted in ClinVar's aggregate classification.